The following is an entry in ClinVar:

ClinVar aggregate classification (germline): Uncertain significance (1 of 4 stars; one submission).

Submission:

Labcorp Genetics (formerly Invitae), Labcorp
Classification: Uncertain significance. Last evaluated: 2023-02-24. Review status: criteria provided, single submitter. Criteria: Invitae Variant Classification Sherloc (09022015). Collection method: clinical testing. Allele origin: germline.
Comment: This variant has not been reported in the literature in individuals affected with IRF2BP2-related conditions. An algorithm developed to predict the effect of missense changes on protein structure and function (PolyPhen-2) suggests that this variant is likely to be disruptive. In summary, the available evidence is currently insufficient to determine the role of this variant in disease. Therefore, it has been classified as a Variant of Uncertain Significance. This sequence change replaces alanine, which is neutral and non-polar, with proline, which is neutral and non-polar, at codon 211 of the IRF2BP2 protein (p.Ala211Pro). This variant is not present in population databases (gnomAD no frequency).

NM_182972.3(IRF2BP2):c.631G>C (p.Ala211Pro)

Genes: IRF2BP2 (interferon regulatory factor 2 binding protein 2; minus strand), LOC129932811 (ATAC-STARR-seq lymphoblastoid silent region 1976; plus strand). Cytogenetic location: 1q42.3.
Variant type: single nucleotide variant.
Coding change: c.631G>C on transcript NM_182972.3 (MANE Select); coding-DNA position 631, G replaced by C.
Protein change: p.Ala211Pro; replaces alanine 211 with proline.
Molecular consequence: missense variant.
Genome position (GRCh38, 1-based): chr1:234,608,864, C>G on the plus strand (G>C on the coding strand, the complement: IRF2BP2 is on the minus strand). VCF-style: chr1-234608864-C-G. GRCh37 (hg19) VCF-style: chr1-234744610-C-G.
Other names: c.631G>C, p.Ala211Pro (NM_001077397.1); short protein forms A211P.
Identifiers: ClinVar variation 2840533 (VCV002840533.3), dbSNP rs1003995542, ClinGen allele CA345309229.